The following is an entry in ClinVar:

NM_001171.6(ABCC6):c.1853G>A (p.Ser618Asn)

Gene: ABCC6 (ATP binding cassette subfamily C member 6; minus strand). Cytogenetic location: 16p13.11.
Variant type: single nucleotide variant.
Coding change: c.1853G>A on transcript NM_001171.6 (MANE Select); coding-DNA position 1853, G replaced by A.
Protein change: p.Ser618Asn; replaces serine 618 with asparagine.
Molecular consequence: missense variant. On other transcripts: non-coding transcript variant (1).
Genome position (GRCh38, 1-based): chr16:16,187,138, C>T on the plus strand (G>A on the coding strand, the complement: ABCC6 is on the minus strand). VCF-style: chr16-16187138-C-T. GRCh37 (hg19) VCF-style: chr16-16280995-C-T.
Other names: c.1511G>A, p.Ser504Asn (NM_001351800.1); short protein forms S504N, S618N.
Identifiers: ClinVar variation 3377371 (VCV003377371.2).

ClinVar aggregate classification (germline): Uncertain significance. Review status: criteria provided, multiple submitters, no conflicts (2 of 4 stars). 2 submissions from 2 submitters: Uncertain significance (2). Last evaluated 2025-10-18.

Conditions:
Arterial calcification, generalized, of infancy, 2. Identifiers: Orphanet 51608, MedGen C3276161, MONDO:0013768, OMIM 614473.
Inborn genetic diseases. Identifiers: MedGen C0950123, MeSH D030342.

gnomAD v4.1: 105 of 1,613,334 alleles (0.0065%); highest among the groups gnomAD compares: Non-Finnish European, 0.0086%; no homozygotes.

Submissions (2):

Ambry Genetics
Classification: Uncertain significance for Inborn genetic diseases. Last evaluated: 2025-10-18. Review status: criteria provided, single submitter. Criteria: Ambry Variant Classification Scheme 2023. Collection method: clinical testing. Allele origin: germline.

Victorian Clinical Genetics Services, Murdoch Childrens Research Institute
Classification: Uncertain significance for Arterial calcification, generalized, of infancy, 2. Last evaluated: 2020-05-21. Review status: criteria provided, single submitter. Criteria: ACMG Guidelines, 2015. Collection method: clinical testing. Allele origin: germline.
Comment: Based on the classification scheme VCGS_Germline_v1.1.0, this variant is classified as 3C-VUS. Following criteria are met: 0102 - Loss-of-function is a known mechanism of disease for this gene. (N) 0108 - This gene is known to be associated with both recessive and dominant disease. (N) 0200 - Variant is predicted to result in a missense amino acid change from serine to asparagine (N) 0251 - Variant is heterozygous. (N) 0304 - Variant is present in gnomAD <0.01 for recessive condition (11 Het, 0 Hom). (P) 0503 - Missense variant consistently predicted to be tolerated or not conserved in mammals with a minor amino acid change. (B) 0604 - Variant is not located in an established domain, motif, hotspot or informative constraint region. (N) 0705 - No comparable variants have previous evidence for pathogenicity. (N) 0807 - Variant has not previously been reported in a clinical context. (N) 0905 - No segregation evidence has been identified for this variant. (N) 1007 - No published functional evidence has been identified for this variant. (N) Legend: (P) - Pathogenic, (N) - Neutral, (B) - Benign